The following is an entry in ClinVar:

ClinVar aggregate classification (germline): Likely benign. Review status: criteria provided, multiple submitters, no conflicts (2 of 4 stars). 2 submissions from 2 submitters: Likely benign (2). Last evaluated 2026-03-01.

Conditions:
Intellectual developmental disorder, X-linked 1. Also called: Atkin Flaitz Patil Smith syndrome; Intellectual disability, X-linked 1; MENTAL RETARDATION, X-LINKED 18; MENTAL RETARDATION, X-LINKED 78. Identifiers: Orphanet 777, MedGen C2931498, MONDO:0010656, OMIM 309530.

Allele frequency attached by ClinVar (database versions not stated): gnomAD 0.00001; gnomAD exomes below 0.00001.
gnomAD v4.1: 8 of 1,209,570 alleles (0.00066%); highest among the groups gnomAD compares: Middle Eastern, 0.023%; no homozygotes.

Submissions (2):

CeGaT Center for Human Genetics Tuebingen
Classification: Likely benign. Last evaluated: 2026-03-01. Review status: criteria provided, single submitter. Criteria: CeGaT Center For Human Genetics Tuebingen Variant Classification Criteria Version 2. Collection method: clinical testing. Allele origin: germline. Affected: yes. Observed: 1 variant allele.
Comment: IQSEC2: BP4, BP7, BS2

Labcorp Genetics (formerly Invitae), Labcorp
Classification: Likely benign for Intellectual developmental disorder, X-linked 1. Last evaluated: 2022-03-19. Review status: criteria provided, single submitter. Criteria: Invitae Variant Classification Sherloc (09022015). Collection method: clinical testing. Allele origin: germline.

NM_001111125.3(IQSEC2):c.1629C>T (p.Pro543=)

Gene: IQSEC2 (IQ motif and Sec7 domain ArfGEF 2; minus strand). Cytogenetic location: Xp11.22.
Variant type: single nucleotide variant.
Coding change: c.1629C>T on transcript NM_001111125.3 (MANE Select); coding-DNA position 1629, C replaced by T.
Protein change: p.Pro543=; no amino-acid change (proline 543 retained).
Molecular consequence: synonymous variant.
Genome position (GRCh38, 1-based): chrX:53,250,947, G>A on the plus strand (C>T on the coding strand, the complement: IQSEC2 is on the minus strand). VCF-style: chrX-53250947-G-A. GRCh37 (hg19) VCF-style: chrX-53280129-G-A.
Other names: c.1014C>T, p.Pro338= (NM_015075.2).
Identifiers: ClinVar variation 1105824 (VCV001105824.16), dbSNP rs2074379481, ClinGen allele CA516674189.